The following is an entry in ClinVar:

NM_001127208.3(TET2):c.3214G>C (p.Ala1072Pro)

Genes: TET2 (tet methylcytosine dioxygenase 2; plus strand), TET2-AS1 (TET2 antisense RNA 1; minus strand). Cytogenetic location: 4q24.
Variant type: single nucleotide variant.
Coding change: c.3214G>C on transcript NM_001127208.3 (MANE Select); coding-DNA position 3214, G replaced by C.
Protein change: p.Ala1072Pro; replaces alanine 1072 with proline.
Molecular consequence: missense variant.
Genome position (GRCh38, 1-based): chr4:105,237,156, G>C. VCF-style: chr4-105237156-G-C. GRCh37 (hg19) VCF-style: chr4-106158313-G-C.
Other names: c.3214G>C, p.Ala1072Pro (NM_017628.4); short protein forms A1072P.
Identifiers: ClinVar variation 3703528 (VCV003703528.3).

ClinVar aggregate classification (germline): Uncertain significance. Review status: criteria provided, multiple submitters, no conflicts (2 of 4 stars). 2 submissions from 2 submitters: Uncertain significance (2). Last evaluated 2025-02-24.

gnomAD v4.1: 19 of 1,613,992 alleles (0.0012%); highest among the groups gnomAD compares: Non-Finnish European, 0.0016%; no homozygotes.

Submissions (2):

Ambry Genetics
Classification: Uncertain significance. Last evaluated: 2025-02-24. Review status: criteria provided, single submitter. Criteria: Ambry Variant Classification Scheme 2023. Collection method: clinical testing. Allele origin: germline.
Comment: The p.A1072P variant (also known as c.3214G>C), located in coding exon 1 of the TET2 gene, results from a G to C substitution at nucleotide position 3214. The alanine at codon 1072 is replaced by proline, an amino acid with highly similar properties. This amino acid position is conserved. In addition, this alteration is predicted to be tolerated by in silico analysis. Based on the available evidence, the clinical significance of this variant remains unclear.

Labcorp Genetics (formerly Invitae), Labcorp
Classification: Uncertain significance. Last evaluated: 2024-11-11. Review status: criteria provided, single submitter. Criteria: Invitae Variant Classification Sherloc (09022015). Collection method: clinical testing. Allele origin: germline.
Comment: This sequence change replaces alanine, which is neutral and non-polar, with proline, which is neutral and non-polar, at codon 1072 of the TET2 protein (p.Ala1072Pro). This variant is not present in population databases (gnomAD no frequency). This variant has not been reported in the literature in individuals affected with TET2-related conditions. An algorithm developed to predict the effect of missense changes on protein structure and function (PolyPhen-2) suggests that this variant is likely to be tolerated. In summary, the available evidence is currently insufficient to determine the role of this variant in disease. Therefore, it has been classified as a Variant of Uncertain Significance.